The following is an entry in ClinVar:

NM_000520.6(HEXA):c.1330+2T>C

Gene: HEXA (hexosaminidase subunit alpha; minus strand). Cytogenetic location: 15q23.
Variant type: single nucleotide variant.
Coding change: c.1330+2T>C on transcript NM_000520.6 (MANE Select); the canonical splice donor site of the intron after coding-DNA position 1330, T replaced by C.
Molecular consequence: splice donor variant.
Genome position (GRCh38, 1-based): chr15:72,346,525, A>G on the plus strand (T>C on the coding strand, the complement: HEXA is on the minus strand). VCF-style: chr15-72346525-A-G. GRCh37 (hg19) VCF-style: chr15-72638866-A-G.
Other names: c.1330+2T>C (NM_000520.5); c.1363+2T>C (NM_001318825.2).
Identifiers: ClinVar variation 1390393 (VCV001390393.9), dbSNP rs2140320568, ClinGen allele CA393060276.

ClinVar aggregate classification (germline): Pathogenic. Review status: criteria provided, multiple submitters, no conflicts (2 of 4 stars). 2 submissions from 2 submitters: Pathogenic (2). Last evaluated 2024-09-13.

Conditions:
Tay-Sachs disease (TSD). Also called: HEXA DEFICIENCY; GM2 gangliosidosis, type 1; Hexosaminidase alpha-subunit deficiency (variant B); Sphingolipidosis, Tay-Sachs; Hexosaminidase A Deficiency; HEXA Disorders. Identifiers: Orphanet 845, MedGen C0039373, MONDO:0010100, OMIM 272800.

Submissions (2):

Natera, Inc.
Classification: Pathogenic for Tay-Sachs disease. Last evaluated: 2024-09-13. Review status: criteria provided, single submitter. Criteria: Natera Variant Classification Schema (03/2026). Collection method: clinical testing. Allele origin: germline.
Comment: The c.1330+2T>C variant in HEXA is a canonical splice donor site variant predicted to affect pre-mRNA splicing, which may result in an abnormal transcript and altered protein product. This variant is expected to result in nonsense mediated decay, truncation, or a dysfunctional protein product. This variant is rare in the general population with a frequency below the threshold expected for the associated phenotype(s). Another variant at this same site results in an alteration predicted to cause a similar molecular effect has been observed in individual(s) with the associated phenotype. Given the available evidence, this variant is classified as Pathogenic.

Labcorp Genetics (formerly Invitae), Labcorp
Classification: Pathogenic for Tay-Sachs disease. Last evaluated: 2022-08-15. Review status: criteria provided, single submitter. Criteria: Invitae Variant Classification Sherloc (09022015). Collection method: clinical testing. Allele origin: germline.
Comment: Algorithms developed to predict the effect of sequence changes on RNA splicing suggest that this variant may disrupt the consensus splice site. ClinVar contains an entry for this variant (Variation ID: 1390393). Disruption of this splice site has been observed in individuals with Tay-Sachs disease (PMID: 16088929, 22441121). This variant is not present in population databases (gnomAD no frequency). This sequence change affects a donor splice site in intron 11 of the HEXA gene. It is expected to disrupt RNA splicing. Variants that disrupt the donor or acceptor splice site typically lead to a loss of protein function (PMID: 16199547), and loss-of-function variants in HEXA are known to be pathogenic (PMID: 1833974, 8490625). For these reasons, this variant has been classified as Pathogenic.

Literature cited by the submitters: PubMed 16088929 (cited by Labcorp Genetics (formerly Invitae), Labcorp); PubMed 22441121 (cited by Labcorp Genetics (formerly Invitae), Labcorp); PubMed 16199547 (cited by Labcorp Genetics (formerly Invitae), Labcorp); PubMed 1833974 (cited by Labcorp Genetics (formerly Invitae), Labcorp); PubMed 8490625 (cited by Labcorp Genetics (formerly Invitae), Labcorp).